The following is an entry in ClinVar:

NM_003184.4(TAF2):c.1015A>T (p.Thr339Ser)

Gene: TAF2 (TATA-box binding protein associated factor 2; minus strand). Cytogenetic location: 8q24.12.
Variant type: single nucleotide variant.
Coding change: c.1015A>T on transcript NM_003184.4 (MANE Select); coding-DNA position 1015, A replaced by T.
Protein change: p.Thr339Ser; replaces threonine 339 with serine.
Molecular consequence: missense variant.
Genome position (GRCh38, 1-based): chr8:119,797,066, T>A on the plus strand (A>T on the coding strand, the complement: TAF2 is on the minus strand). VCF-style: chr8-119797066-T-A. GRCh37 (hg19) VCF-style: chr8-120809306-T-A.
Other names: short protein forms T339S.
Identifiers: ClinVar variation 2573686 (VCV002573686.2), dbSNP rs866380056, ClinGen allele CA184339174.

ClinVar aggregate classification (germline): Uncertain significance. Review status: criteria provided, single submitter (1 of 4 stars). 2 submissions from 2 submitters: Uncertain significance (1). 1 of the submissions does not count toward it. Last evaluated 2023-01-24.

Conditions:
TAF2-related disorder. Also called: TAF2-related condition.

gnomAD v4.1: 4 of 1,613,270 alleles (0.00025%); highest among the groups gnomAD compares: Middle Eastern, 0.05%; no homozygotes.

Submissions (2):

GeneDx
Classification: Uncertain significance. Last evaluated: 2023-01-24. Review status: criteria provided, single submitter. Criteria: GeneDx Variant Classification Process June 2021. Collection method: clinical testing. Allele origin: germline. Affected: yes.
Comment: Not observed at significant frequency in large population cohorts (gnomAD); In silico analysis supports that this missense variant has a deleterious effect on protein structure/function; Has not been previously published as pathogenic or benign to our knowledge

PreventionGenetics, part of Exact Sciences
Classification: Likely benign for TAF2-related condition. Last evaluated: 2019-04-26. Review status: no assertion criteria provided. Collection method: clinical testing. Allele origin: germline. Not counted in ClinVar's aggregate classification.
Comment: This variant is classified as likely benign based on ACMG/AMP sequence variant interpretation guidelines (Richards et al. 2015 PMID: 25741868, with internal and published modifications).